The following is an entry in ClinVar:

NM_020935.3(USP37):c.1480G>A (p.Glu494Lys)

Gene: USP37 (ubiquitin specific peptidase 37; minus strand). Cytogenetic location: 2q35.
Variant type: single nucleotide variant.
Coding change: c.1480G>A on transcript NM_020935.3 (MANE Select); coding-DNA position 1480, G replaced by A.
Protein change: p.Glu494Lys; replaces glutamic acid 494 with lysine.
Molecular consequence: missense variant.
Genome position (GRCh38, 1-based): chr2:218,488,414, C>T on the plus strand (G>A on the coding strand, the complement: USP37 is on the minus strand). VCF-style: chr2-218488414-C-T. GRCh37 (hg19) VCF-style: chr2-219353137-C-T.
Other names: short protein forms E494K.
Identifiers: ClinVar variation 2651878 (VCV002651878.24), dbSNP rs780297000, ClinGen allele CA2107172.
Genomic context (GRCh38, chr2:218,488,414, plus strand): 5'-TTTTCCTACGAGGAAGGTCAATAGAGAGGTCATTAAACTGTTCTCTTTTGGGGATAATCT[C>T]TCCACATCTGTAAGAATAAAATGAGACATGTAAGCATTTAGACCAATACACAAGAAACAC-3'
Protein context (NP_065986.3, residues 484-504): QHSIICKACG[Glu494Lys]IIPKREQFND

ClinVar aggregate classification (germline): Uncertain significance (1 of 4 stars; one submission).

Allele frequency attached by ClinVar (database versions not stated): ExAC 0.00001.

Submission:

CeGaT Center for Human Genetics Tuebingen
Classification: Uncertain significance. Last evaluated: 2023-09-01. Review status: criteria provided, single submitter. Criteria: CeGaT Center For Human Genetics Tuebingen Variant Classification Criteria Version 2. Collection method: clinical testing. Allele origin: germline. Affected: yes. Observed: 1 variant allele.
Comment: USP37: PM2